The following is an entry in ClinVar:

ClinVar aggregate classification (germline): Likely pathogenic (1 of 4 stars; one submission).

Conditions:
Primary ciliary dyskinesia 5. Also called: CILIARY DYSKINESIA, PRIMARY, 5, WITHOUT SITUS INVERSUS. Identifiers: Orphanet 244, MedGen C1837615, MONDO:0012088, OMIM 608647.

Submission:

Royal Brompton Clinical Genetics And Genomics Laboratory, NHS South East Genomic Laboratory Hub
Classification: Likely pathogenic for Primary ciliary dyskinesia 5. Last evaluated: 2024-03-06. Review status: criteria provided, single submitter. Criteria: RBHT-CGGL ClinVar Assertion Criteria. Collection method: clinical testing. Allele origin: germline. Affected: yes. Observed: 1 variant allele.

NM_001270974.2(HYDIN):c.12144dup (p.Thr4049fs)

Gene: HYDIN (HYDIN axonemal central pair apparatus protein; minus strand). Cytogenetic location: 16q22.2.
Variant type: Duplication.
Coding change: c.12144dup on transcript NM_001270974.2 (MANE Select); coding-DNA position 12144, one base duplicated (C; older notation c.12144dupC).
Protein change: p.Thr4049fs; shifts the reading frame from threonine 4049.
Molecular consequence: frameshift variant.
Genome position (GRCh38, 1-based): chr16:70,857,856, G duplicated on the plus strand (C on the coding strand, the reverse complement: HYDIN is on the minus strand). VCF-style (leftmost placement, unchanged base first): chr16-70857855-T-TG. GRCh37 (hg19) VCF-style: chr16-70891758-T-TG.
Other names: short protein forms T4049fs.
Identifiers: ClinVar variation 3027484 (VCV003027484.1), dbSNP rs2507928869, ClinGen allele CA2740093414.